The following is an entry in ClinVar:

NM_001130823.3(DNMT1):c.3914G>A (p.Arg1305His)

Gene: DNMT1 (DNA methyltransferase 1; minus strand). Cytogenetic location: 19p13.2.
Variant type: single nucleotide variant.
Coding change: c.3914G>A on transcript NM_001130823.3 (MANE Select); coding-DNA position 3914, G replaced by A.
Protein change: p.Arg1305His; replaces arginine 1305 with histidine.
Molecular consequence: missense variant.
Genome position (GRCh38, 1-based): chr19:10,139,710, C>T on the plus strand (G>A on the coding strand, the complement: DNMT1 is on the minus strand). VCF-style: chr19-10139710-C-T. GRCh37 (hg19) VCF-style: chr19-10250386-C-T.
Other names: c.3866G>A, p.Arg1289His (NM_001318730.2, NM_001379.4); c.3551G>A, p.Arg1184His (NM_001318731.2); c.3914G>A (NM_001130823.2); short protein forms R1289H, R1184H, R1305H.
Identifiers: ClinVar variation 2723657 (VCV002723657.4), dbSNP rs564106859, ClinGen allele CA9187647.

ClinVar aggregate classification (germline): Uncertain significance. Review status: criteria provided, multiple submitters, no conflicts (2 of 4 stars). 2 submissions from 2 submitters: Uncertain significance (2). Last evaluated 2026-02-12.

Conditions:
Hereditary sensory neuropathy-deafness-dementia syndrome. Also called: Hereditary Sensory and Autonomic Neuropathy Type 1E (HSAN1E); NEUROPATHY, HEREDITARY SENSORY, WITH HEARING LOSS AND DEMENTIA; Hereditary sensory neuropathy type IE; HSN IE. Identifiers: Orphanet 456318, MedGen C3279885, MONDO:0013584, OMIM 614116.
DNMT1-related disorder. Also called: DNMT1-related condition. Identifiers: MedGen CN381527.

Allele frequency attached by ClinVar (database versions not stated): gnomAD 0.00001; gnomAD exomes 0.00001; TOPMed 0.00001; ExAC 0.00003; 1000 Genomes Project 30x 0.00016; 1000 Genomes Project 0.00020.
gnomAD v4.1: 15 of 1,613,446 alleles (0.00093%); highest among the groups gnomAD compares: African/African-American, 0.004%; no homozygotes.

Submissions (2):

PreventionGenetics, part of Exact Sciences
Classification: Uncertain significance for DNMT1-related condition. Last evaluated: 2026-02-12. Review status: criteria provided, single submitter. Criteria: ACMG Guidelines, 2015. Collection method: clinical testing. Allele origin: germline.
Comment: The DNMT1 c.3914G>A variant is predicted to result in the amino acid substitution p.Arg1305His. To our knowledge, this variant has not been reported in the literature. This variant is reported in 0.0041% of alleles in individuals of African descent in gnomAD. At this time, the clinical significance of this variant is uncertain due to the absence of conclusive functional and genetic evidence.

Labcorp Genetics (formerly Invitae), Labcorp
Classification: Uncertain significance for Hereditary sensory neuropathy-deafness-dementia syndrome. Last evaluated: 2025-06-08. Review status: criteria provided, single submitter. Criteria: Invitae Variant Classification Sherloc (09022015). Collection method: clinical testing. Allele origin: germline.
Comment: This sequence change replaces arginine, which is basic and polar, with histidine, which is basic and polar, at codon 1305 of the DNMT1 protein (p.Arg1305His). The frequency data for this variant in the population databases is considered unreliable, as metrics indicate poor data quality at this position in the gnomAD database. This variant has not been reported in the literature in individuals affected with DNMT1-related conditions. ClinVar contains an entry for this variant (Variation ID: 2723657). Invitae Evidence Modeling of protein sequence and biophysical properties (such as structural, functional, and spatial information, amino acid conservation, physicochemical variation, residue mobility, and thermodynamic stability) indicates that this missense variant is expected to disrupt DNMT1 protein function with a positive predictive value of 80%. In summary, the available evidence is currently insufficient to determine the role of this variant in disease. Therefore, it has been classified as a Variant of Uncertain Significance.